The following is an entry in ClinVar:

ClinVar aggregate classification (germline): Pathogenic. Review status: reviewed by expert panel (3 of 4 stars). 2 submissions from 2 submitters: Pathogenic (1). 1 of the submissions does not count toward it. Last evaluated 2022-12-14.

Conditions:
Abnormal circulating enzyme concentration. Identifiers: MedGen C4023591, HP:0011021.
Rhabdomyolysis. Also called: Rhabdomyolysis (disease). Identifiers: MedGen C0035410, HP:0003201, MONDO:0005290.
Very long chain acyl-CoA dehydrogenase deficiency (ACADVLD). Also called: VLCAD Deficiency; Very Long-Chain Acyl-Coenzyme A Dehydrogenase Deficiency. Identifiers: Orphanet 26793, MedGen C3887523, MONDO:0008723, OMIM 201475.

gnomAD v4.1: 1 of 1,605,362 alleles (0.000062%); highest among the groups gnomAD compares: Non-Finnish European, 0.000085%; no homozygotes.

Submissions (2):

ClinGen ACADVL Variant Curation Expert Panel, ClinGen
Classification: Pathogenic for Very long chain acyl-CoA dehydrogenase deficiency. Last evaluated: 2022-12-14. Review status: reviewed by expert panel. Criteria: clingen acadvl acmg specifications v1. Collection method: curation. Allele origin: germline. Inheritance: Autosomal recessive inheritance.
Comment: The c.37C>T (p.Gln13Ter) variant in ACADVL is a nonsense variant predicted to cause a premature stop codon in biologically-relevant-exon 1/20 leading to nonsense mediated decay in a gene in which loss-of-function is an established disease mechanism (PVS1; PMIDs 9973285, 11590124). At least one patient with this variant displayed VLCAD enzyme levels of <20% of normal, which is highly specific for very long chain acyl CoA dehydrogenase (VLCAD) deficiency (PP4_Moderate; PMIDs: 20060901, 17999356). This variant is absent from gnomAD v2.1.1 (PM2_Supporting). In summary, this variant meets the criteria to be classified as pathogenic for autosomal recessive VLCAD deficiency based on the ACMG/AMP criteria applied, as specified by the ClinGen ACADVL Variant Curation Expert Panel: PVS1, PP4_Moderate, PM2_Supporting (ACADVL VCEP specifications version 1; approved November 8, 2021).

NIHR Bioresource Rare Diseases, University of Cambridge
Classification: Pathogenic for Abnormal circulating enzyme concentration; Rhabdomyolysis. Review status: no assertion criteria provided. Collection method: research. Allele origin: unknown. Affected: yes. Observed: 1 variant allele. Not counted in ClinVar's aggregate classification.

Literature cited by the submitters: PubMed 32581362 (cited by NIHR Bioresource Rare Diseases, University of Cambridge).

NM_000018.4(ACADVL):c.37C>T (p.Gln13Ter)

Genes: ACADVL (acyl-CoA dehydrogenase very long chain; plus strand), DLG4 (discs large MAGUK scaffold protein 4; minus strand). Cytogenetic location: 17p13.1.
Variant type: single nucleotide variant.
Coding change: c.37C>T on transcript NM_000018.4 (MANE Select); coding-DNA position 37, C replaced by T.
Protein change: p.Gln13Ter; replaces glutamine 13 with a stop codon.
Molecular consequence: nonsense. On other transcripts: 5 prime UTR variant (2), non-coding transcript variant (1), intron variant (1).
Genome position (GRCh38, 1-based): chr17:7,220,021, C>T. VCF-style: chr17-7220021-C-T. GRCh37 (hg19) VCF-style: chr17-7123340-C-T.
Other names: NM_000018.4(ACADVL):c.37C>T; p.Gln13Ter; c.-1172G>A (NM_001321074.1); c.37C>T, p.Gln13Ter (NM_001033859.3); c.-267C>T (NM_001270448.2); c.132-101C>T (NM_001270447.2); short protein forms Q13*.
Identifiers: ClinVar variation 812785 (VCV000812785.6), dbSNP rs63750670, ClinGen allele CA287433650.
Genomic context (GRCh38, chr17:7,220,021, plus strand): 5'-AGCGGCGCCCGGAGAGATTCGGAGATGCAGGCGGCTCGGATGGCCGCGAGCTTGGGGCGG[C>T]AGCTGCTGAGGCTCGGGGGCGGAAGGTCTGTGTGTGACAAGAGGGACGGTGGGCAGCGGC-3'